The following is an entry in ClinVar:

ClinVar aggregate classification (germline): Likely benign (1 of 4 stars; one submission).

gnomAD v4.1: 7 of 1,614,002 alleles (0.00043%); highest among the groups gnomAD compares: Middle Eastern, 0.017%; no homozygotes.

Submission:

CeGaT Center for Human Genetics Tuebingen
Classification: Likely benign. Last evaluated: 2025-01-01. Review status: criteria provided, single submitter. Criteria: CeGaT Center For Human Genetics Tuebingen Variant Classification Criteria Version 2. Collection method: clinical testing. Allele origin: germline. Affected: yes. Observed: 1 variant allele.
Comment: TACO1: BP4, BP7

NM_016360.4(TACO1):c.450C>T (p.Ile150=)

Gene: TACO1 (translational activator of cytochrome c oxidase I; plus strand). Cytogenetic location: 17q23.3.
Variant type: single nucleotide variant.
Coding change: c.450C>T on transcript NM_016360.4 (MANE Select); coding-DNA position 450, C replaced by T.
Protein change: p.Ile150=; no amino-acid change (isoleucine 150 retained).
Molecular consequence: synonymous variant.
Genome position (GRCh38, 1-based): chr17:63,606,375, C>T. VCF-style: chr17-63606375-C-T. GRCh37 (hg19) VCF-style: chr17-61683735-C-T.
Identifiers: ClinVar variation 3771679 (VCV003771679.13).